The following is an entry in ClinVar:

ClinVar aggregate classification (germline): Pathogenic (1 of 4 stars; one submission).

Conditions:
Spastic paraplegia. Identifiers: MedGen C0037772, HP:0001258.

gnomAD v4.1: 2 of 1,457,652 alleles (0.00014%); highest among the groups gnomAD compares: Non-Finnish European, 0.00018%; no homozygotes.

Submission:

Labcorp Genetics (formerly Invitae), Labcorp
Classification: Pathogenic for Spastic paraplegia. Last evaluated: 2026-01-26. Review status: criteria provided, single submitter. Criteria: Invitae Variant Classification Sherloc (09022015). Collection method: clinical testing. Allele origin: germline.
Comment: This sequence change creates a premature translational stop signal (p.Tyr34*) in the FA2H gene. It is expected to result in an absent or disrupted protein product. Loss-of-function variants in FA2H are known to be pathogenic (PMID: 20853438, 25496456, 25732363, 26344562). This variant is not present in population databases (gnomAD no frequency). This premature translational stop signal has been observed in individual(s) with dystonia (PMID: 35872528). For these reasons, this variant has been classified as Pathogenic.

Literature cited by the submitters: PubMed 20853438; PubMed 25496456; PubMed 25732363; PubMed 26344562; PubMed 35872528.

NM_024306.5(FA2H):c.102C>A (p.Tyr34Ter)

Genes: FA2H (fatty acid 2-hydroxylase; minus strand), LOC130059394 (ATAC-STARR-seq lymphoblastoid silent region 7701; plus strand). Cytogenetic location: 16q23.1.
Variant type: single nucleotide variant.
Coding change: c.102C>A on transcript NM_024306.5 (MANE Select); coding-DNA position 102, C replaced by A.
Protein change: p.Tyr34Ter; replaces tyrosine 34 with a stop codon.
Molecular consequence: nonsense.
Genome position (GRCh38, 1-based): chr16:74,774,654, G>T on the plus strand (C>A on the coding strand, the complement: FA2H is on the minus strand). VCF-style: chr16-74774654-G-T. GRCh37 (hg19) VCF-style: chr16-74808552-G-T.
Other names: short protein forms Y34*.
Identifiers: ClinVar variation 4744562 (VCV004744562.1).
Genomic context (GRCh38, chr16:74,774,654, plus strand): 5'-CGCCCTGGCCCGCAGCAGCTGCTCGCCCCCCGGGTGGTGCCGCACGAAGCTGGAGAGGTC[G>T]TAGAGGCGGGCCCCGCGGCGGACCCAGCACGCGCCGGCCGCCAGGCGCCGCTGGACCTCG-3'